The following is an entry in ClinVar:

NM_005732.4(RAD50):c.3175A>G (p.Lys1059Glu)

Gene: RAD50 (RAD50 double strand break repair protein; plus strand). Cytogenetic location: 5q31.1.
Variant type: single nucleotide variant.
Coding change: c.3175A>G on transcript NM_005732.4 (MANE Select); coding-DNA position 3175, A replaced by G.
Protein change: p.Lys1059Glu; replaces lysine 1059 with glutamic acid.
Molecular consequence: missense variant.
Genome position (GRCh38, 1-based): chr5:132,618,080, A>G. VCF-style: chr5-132618080-A-G. GRCh37 (hg19) VCF-style: chr5-131953772-A-G.
Other names: short protein forms K1059E.
Identifiers: ClinVar variation 3224971 (VCV003224971.1), dbSNP rs1581009347, ClinGen allele CA360964209.

ClinVar aggregate classification (germline): Uncertain significance (1 of 4 stars; one submission).

Conditions:
Hereditary cancer-predisposing syndrome. Also called: Neoplastic Syndromes, Hereditary; Tumor predisposition; Hereditary neoplastic syndrome; Hereditary Cancer Syndrome. Identifiers: Orphanet 140162, MedGen C0027672, MeSH D009386, MONDO:0015356.

Submission:

Ambry Genetics
Classification: Uncertain significance for Hereditary cancer-predisposing syndrome. Last evaluated: 2023-10-06. Review status: criteria provided, single submitter. Criteria: Ambry Variant Classification Scheme 2023. Collection method: clinical testing. Allele origin: germline.
Comment: The p.K1059E variant (also known as c.3175A>G), located in coding exon 21 of the RAD50 gene, results from an A to G substitution at nucleotide position 3175. The lysine at codon 1059 is replaced by glutamic acid, an amino acid with similar properties. This amino acid position is conserved. In addition, this alteration is predicted to be tolerated by in silico analysis. Since supporting evidence is limited at this time, the clinical significance of this alteration remains unclear.